The following is an entry in ClinVar:

NM_000350.3(ABCA4):c.5081C>T (p.Pro1694Leu)

Gene: ABCA4 (ATP binding cassette subfamily A member 4; minus strand). Cytogenetic location: 1p22.1.
Variant type: single nucleotide variant.
Coding change: c.5081C>T on transcript NM_000350.3 (MANE Select); coding-DNA position 5081, C replaced by T.
Protein change: p.Pro1694Leu; replaces proline 1694 with leucine.
Molecular consequence: missense variant.
Genome position (GRCh38, 1-based): chr1:94,019,697, G>A on the plus strand (C>T on the coding strand, the complement: ABCA4 is on the minus strand). VCF-style: chr1-94019697-G-A. GRCh37 (hg19) VCF-style: chr1-94485253-G-A.
Other names: c.4859C>T, p.Pro1620Leu (NM_001425324.1); short protein forms P1620L, P1694L.
Identifiers: ClinVar variation 2857409 (VCV002857409.3), dbSNP rs2523686513, ClinGen allele CA341282751.

ClinVar aggregate classification (germline): Uncertain significance (1 of 4 stars; one submission).

Submission:

Labcorp Genetics (formerly Invitae), Labcorp
Classification: Uncertain significance. Last evaluated: 2023-04-18. Review status: criteria provided, single submitter. Criteria: Invitae Variant Classification Sherloc (09022015). Collection method: clinical testing. Allele origin: germline.
Comment: In summary, the available evidence is currently insufficient to determine the role of this variant in disease. Therefore, it has been classified as a Variant of Uncertain Significance. Advanced modeling of protein sequence and biophysical properties (such as structural, functional, and spatial information, amino acid conservation, physicochemical variation, residue mobility, and thermodynamic stability) performed at Invitae indicates that this missense variant is expected to disrupt ABCA4 protein function. This variant has not been reported in the literature in individuals affected with ABCA4-related conditions. This variant is not present in population databases (gnomAD no frequency). This sequence change replaces proline, which is neutral and non-polar, with leucine, which is neutral and non-polar, at codon 1694 of the ABCA4 protein (p.Pro1694Leu).